The following is an entry in ClinVar:

NM_001303256.3(MORC2):c.874G>T (p.Val292Leu)

Gene: MORC2 (MORC family CW-type zinc finger 2; minus strand). Cytogenetic location: 22q12.2.
Variant type: single nucleotide variant.
Coding change: c.874G>T on transcript NM_001303256.3 (MANE Select); coding-DNA position 874, G replaced by T.
Protein change: p.Val292Leu; replaces valine 292 with leucine.
Molecular consequence: missense variant.
Genome position (GRCh38, 1-based): chr22:30,940,788, C>A on the plus strand (G>T on the coding strand, the complement: MORC2 is on the minus strand). VCF-style: chr22-30940788-C-A. GRCh37 (hg19) VCF-style: chr22-31336775-C-A.
Other names: c.874G>T, p.Val292Leu (NM_001303257.2); c.688G>T, p.Val230Leu (NM_014941.3); short protein forms V230L, V292L.
Identifiers: ClinVar variation 3645336 (VCV003645336.2).
Genomic context (GRCh38, chr22:30,940,788, plus strand): 5'-CCCCAACTCCTGCACCCAGAGTGGCATTACCAATCCTTGCTACGTGCTCTGCTTTCTTCA[C>A]CTCCTGCTCCGCACGGGTCTTGAAACGGCTTGACGTGTACTTGTACATCCTGATCAGTAG-3'
Protein context (NP_001290185.1, residues 282-302): SRFKTRAEQE[Val292Leu]KKAEHVARIA

ClinVar aggregate classification (germline): Uncertain significance (1 of 4 stars; one submission).

Conditions:
Charcot-Marie-Tooth disease axonal type 2Z. Also called: CHARCOT-MARIE-TOOTH DISEASE, AXONAL, AUTOSOMAL DOMINANT, TYPE 2Z; CHARCOT-MARIE-TOOTH NEUROPATHY, TYPE 2Z. Identifiers: Orphanet 466768, MedGen C5569025, MONDO:0014736, OMIM 616688.

gnomAD v4.1: 1 of 1,614,048 alleles (0.000062%); highest among the groups gnomAD compares: East Asian, 0.0022%; no homozygotes.

Submission:

Labcorp Genetics (formerly Invitae), Labcorp
Classification: Uncertain significance for Charcot-Marie-Tooth disease axonal type 2Z. Last evaluated: 2024-09-29. Review status: criteria provided, single submitter. Criteria: Invitae Variant Classification Sherloc (09022015). Collection method: clinical testing. Allele origin: germline.
Comment: This sequence change replaces valine, which is neutral and non-polar, with leucine, which is neutral and non-polar, at codon 292 of the MORC2 protein (p.Val292Leu). This variant is not present in population databases (gnomAD no frequency). This variant has not been reported in the literature in individuals affected with MORC2-related conditions. Invitae Evidence Modeling of protein sequence and biophysical properties (such as structural, functional, and spatial information, amino acid conservation, physicochemical variation, residue mobility, and thermodynamic stability) indicates that this missense variant is expected to disrupt MORC2 protein function with a positive predictive value of 80%. In summary, the available evidence is currently insufficient to determine the role of this variant in disease. Therefore, it has been classified as a Variant of Uncertain Significance.